The following is an entry in ClinVar:

NM_130837.3(OPA1):c.2827G>T (p.Ala943Ser)

Gene: OPA1 (OPA1 mitochondrial dynamin like GTPase; plus strand). Cytogenetic location: 3q29.
Variant type: single nucleotide variant.
Coding change: c.2827G>T on transcript NM_130837.3 (MANE Select); coding-DNA position 2827, G replaced by T.
Protein change: p.Ala943Ser; replaces alanine 943 with serine.
Molecular consequence: missense variant.
Genome position (GRCh38, 1-based): chr3:193,666,344, G>T. VCF-style: chr3-193666344-G-T. GRCh37 (hg19) VCF-style: chr3-193384133-G-T.
Other names: c.2293G>T, p.Ala765Ser (NM_001354663.2); c.2290G>T, p.Ala764Ser (NM_001354664.2); c.2662G>T, p.Ala888Ser (NM_015560.3); c.2554G>T, p.Ala852Ser (NM_130831.3); c.2608G>T, p.Ala870Ser (NM_130832.3); c.2665G>T, p.Ala889Ser (NM_130833.3); c.2716G>T, p.Ala906Ser (NM_130834.3); c.2719G>T, p.Ala907Ser (NM_130835.3); and 1 more; short protein forms A764S, A765S, A852S, A870S, A888S, A889S, A906S, A907S.
Identifiers: ClinVar variation 1715522 (VCV001715522.5), dbSNP rs2475190151, ClinGen allele CA355796496.
Genomic context (GRCh38, chr3:193,666,344, plus strand): 5'-TTAATATTTCAGTTGGAATGCAATGATGTGGTCTTGTTTTGGCGTATACAGCGCATGCTT[G>T]CTATCACCGCAAATACTTTAAGGCAACAACTTACAAATACTGAAGGTAAGCCACATAGGG-3'
Protein context (NP_570850.2, residues 933-953): VLFWRIQRML[Ala943Ser]ITANTLRQQL

ClinVar aggregate classification (germline): Uncertain significance (1 of 4 stars; one submission).

Submission:

Labcorp Genetics (formerly Invitae), Labcorp
Classification: Uncertain significance. Last evaluated: 2023-11-01. Review status: criteria provided, single submitter. Criteria: Invitae Variant Classification Sherloc (09022015). Collection method: clinical testing. Allele origin: germline.
Comment: This sequence change replaces alanine, which is neutral and non-polar, with serine, which is neutral and polar, at codon 888 of the OPA1 protein (p.Ala888Ser). This variant is not present in population databases (gnomAD no frequency). This variant has not been reported in the literature in individuals affected with OPA1-related conditions. ClinVar contains an entry for this variant (Variation ID: 1715522). Advanced modeling of protein sequence and biophysical properties (such as structural, functional, and spatial information, amino acid conservation, physicochemical variation, residue mobility, and thermodynamic stability) performed at Invitae indicates that this missense variant is not expected to disrupt OPA1 protein function with a negative predictive value of 80%. In summary, the available evidence is currently insufficient to determine the role of this variant in disease. Therefore, it has been classified as a Variant of Uncertain Significance.